The following is an entry in ClinVar:

NM_015202.5(KATNIP):c.2960del (p.Asp987fs)

Gene: KATNIP (katanin interacting protein; plus strand). Cytogenetic location: 16p12.1.
Variant type: Deletion.
Coding change: c.2960del on transcript NM_015202.5 (MANE Select); coding-DNA position 2960, one base deleted (A; older notation c.2960delA).
Protein change: p.Asp987fs; shifts the reading frame from aspartic acid 987.
Molecular consequence: frameshift variant.
Genome position (GRCh38, 1-based): chr16:27,749,920, A deleted. VCF-style (leftmost placement, unchanged base first): chr16-27749919-GA-G. GRCh37 (hg19) VCF-style: chr16-27761240-GA-G.
Other names: short protein forms D987fs.
Identifiers: ClinVar variation 2443382 (VCV002443382.3), dbSNP rs2543271885, ClinGen allele CA2580091326.
Genomic context (GRCh38, chr16:27,749,919, plus strand): 5'-AAAATCCCCGTCTTGCCTTATGGACAGCGCTTGGTCATTGACATCAAGTCTACCTGGGGG[GA>G]CAGACACTATGTCGGCCTCAACGGAATAGAAATATTCAGTTCCAAGGGTGAACCGGTGCA-3'

ClinVar aggregate classification (germline): Likely pathogenic (1 of 4 stars; one submission).

Submission:

GeneDx
Classification: Likely pathogenic. Last evaluated: 2026-09-28. Review status: criteria provided, single submitter. Criteria: GeneDx Variant Classification Process June 2021. Collection method: clinical testing. Allele origin: germline.
Comment: Frameshift variant predicted to result in protein truncation or nonsense mediated decay in a gene for which loss of function is a known mechanism of disease; Not observed at significant frequency in large population cohorts (gnomAD); Has not been previously published as pathogenic or benign to our knowledge